The following is an entry in ClinVar:

NM_005633.4(SOS1):c.2659G>A (p.Asp887Asn)

Gene: SOS1 (SOS Ras/Rac guanine nucleotide exchange factor 1; minus strand). Cytogenetic location: 2p22.1.
Variant type: single nucleotide variant.
Coding change: c.2659G>A on transcript NM_005633.4 (MANE Select); coding-DNA position 2659, G replaced by A.
Protein change: p.Asp887Asn; replaces aspartic acid 887 with asparagine.
Molecular consequence: missense variant.
Genome position (GRCh38, 1-based): chr2:39,007,045, C>T on the plus strand (G>A on the coding strand, the complement: SOS1 is on the minus strand). VCF-style: chr2-39007045-C-T. GRCh37 (hg19) VCF-style: chr2-39234186-C-T.
Other names: c.2638G>A, p.Asp880Asn (NM_001382394.1); c.2659G>A, p.Asp887Asn (NM_001382395.1); short protein forms D887N, D880N.
Identifiers: ClinVar variation 4747096 (VCV004747096.1).

ClinVar aggregate classification (germline): Uncertain significance (1 of 4 stars; one submission).

Conditions:
RASopathy. Also called: Noonan spectrum disorder; rasopathies. Identifiers: Orphanet 536391, MedGen C5555857, MONDO:0021060.

Submission:

Labcorp Genetics (formerly Invitae), Labcorp
Classification: Uncertain significance for RASopathy. Last evaluated: 2025-02-06. Review status: criteria provided, single submitter. Criteria: Invitae Variant Classification Sherloc (09022015). Collection method: clinical testing. Allele origin: germline.
Comment: This sequence change replaces aspartic acid, which is acidic and polar, with asparagine, which is neutral and polar, at codon 887 of the SOS1 protein (p.Asp887Asn). This variant is not present in population databases (gnomAD no frequency). This variant has not been reported in the literature in individuals affected with SOS1-related conditions. Invitae Evidence Modeling of protein sequence and biophysical properties (such as structural, functional, and spatial information, amino acid conservation, physicochemical variation, residue mobility, and thermodynamic stability) indicates that this missense variant is not expected to disrupt SOS1 protein function with a negative predictive value of 95%. In summary, the available evidence is currently insufficient to determine the role of this variant in disease. Therefore, it has been classified as a Variant of Uncertain Significance.